The following is an entry in ClinVar:

NM_000479.5(AMH):c.478G>C (p.Glu160Gln)

Gene: AMH (anti-Mullerian hormone; plus strand). Cytogenetic location: 19p13.3.
Variant type: single nucleotide variant.
Coding change: c.478G>C on transcript NM_000479.5 (MANE Select); coding-DNA position 478, G replaced by C.
Protein change: p.Glu160Gln; replaces glutamic acid 160 with glutamine.
Molecular consequence: missense variant.
Genome position (GRCh38, 1-based): chr19:2,250,402, G>C. VCF-style: chr19-2250402-G-C. GRCh37 (hg19) VCF-style: chr19-2250401-G-C.
Other names: short protein forms E160Q.
Identifiers: ClinVar variation 1336718 (VCV001336718.8), dbSNP rs756662915, ClinGen allele CA9062878.

ClinVar aggregate classification (germline): Uncertain significance. Review status: criteria provided, multiple submitters, no conflicts (2 of 4 stars). 2 submissions from 2 submitters: Uncertain significance (2). Last evaluated 2022-03-04.

Allele frequency attached by ClinVar (database versions not stated): gnomAD exomes below 0.00001 and 0.00003; ExAC 0.00003; gnomAD 0.00003; TOPMed 0.00003.
gnomAD v4.1: 17 of 1,579,390 alleles (0.0011%); highest among the groups gnomAD compares: Admixed American, 0.016%; no homozygotes.

Submissions (2):

Labcorp Genetics (formerly Invitae), Labcorp
Classification: Uncertain significance. Last evaluated: 2022-03-04. Review status: criteria provided, single submitter. Criteria: Invitae Variant Classification Sherloc (09022015). Collection method: clinical testing. Allele origin: germline.
Comment: This sequence change replaces glutamic acid, which is acidic and polar, with glutamine, which is neutral and polar, at codon 160 of the AMH protein (p.Glu160Gln). This variant is present in population databases (rs756662915, gnomAD 0.02%). This variant has not been reported in the literature in individuals affected with AMH-related conditions. Algorithms developed to predict the effect of missense changes on protein structure and function are either unavailable or do not agree on the potential impact of this missense change (SIFT: "Not Available"; PolyPhen-2: "Probably Damaging"; Align-GVGD: "Not Available"). In summary, the available evidence is currently insufficient to determine the role of this variant in disease. Therefore, it has been classified as a Variant of Uncertain Significance.

Genetic Services Laboratory, University of Chicago
Classification: Uncertain significance. Last evaluated: 2018-06-01. Review status: criteria provided, single submitter. Criteria: ACMG Guidelines, 2015. Collection method: clinical testing. Allele origin: germline. Affected: no.